The following is an entry in ClinVar:

ClinVar aggregate classification (germline): Uncertain significance (1 of 4 stars; one submission).

gnomAD v4.1: 1 of 1,610,514 alleles (0.000062%); highest among the groups gnomAD compares: Admixed American, 0.0017%; no homozygotes.

Submission:

Women's Health and Genetics/Laboratory Corporation of America, LabCorp
Classification: Uncertain significance. Last evaluated: 2025-07-22. Review status: criteria provided, single submitter. Criteria: LabCorp Variant Classification Summary - May 2015. Collection method: clinical testing. Allele origin: germline.
Comment: Variant summary: GABRG2 c.1272+3A>G alters a conserved nucleotide located close to a canonical splice site and therefore could affect mRNA splicing, leading to a significantly altered protein sequence. Several computational tools predict a significant impact on normal splicing: Three predict the variant abolishes a 5' splicing donor site. However, these predictions have yet to be confirmed by functional studies. The variant allele was found at a frequency of 4e-06 in 250668 control chromosomes. The available data on variant occurrences in the general population are insufficient to allow any conclusion about variant significance. To our knowledge, no occurrence of c.1272+3A>G in individuals affected with Developmental And Epileptic Encephalopathy, 74 and no experimental evidence demonstrating its impact on protein function have been reported. No submitters have cited clinical-significance assessments for this variant to ClinVar. Based on the evidence outlined above, the variant was classified as uncertain significance.

NM_198904.4(GABRG2):c.1152+3A>G

Gene: GABRG2 (gamma-aminobutyric acid type A receptor subunit gamma2; plus strand). Cytogenetic location: 5q34.
Variant type: single nucleotide variant.
Coding change: c.1152+3A>G on transcript NM_198904.4 (MANE Select); 3 bases into the intron after coding-DNA position 1152, A replaced by G.
Molecular consequence: intron variant.
Genome position (GRCh38, 1-based): chr5:162,151,756, A>G. VCF-style: chr5-162151756-A-G. GRCh37 (hg19) VCF-style: chr5-161578762-A-G.
Other names: c.844-1337A>G (NM_001375349.1); c.1249-1337A>G (NM_001375343.1); c.1191+3A>G (NM_001375344.1); c.946+3A>G (NM_001375340.1); c.1149+3A>G (NM_001375341.1); c.1126-1337A>G (NM_001375342.1); c.732+3A>G (NM_001375350.1); c.709-1337A>G (NM_001375348.1); and 6 more.
Identifiers: ClinVar variation 4526290 (VCV004526290.1).